The following is an entry in ClinVar:

ClinVar aggregate classification (germline): Uncertain significance (1 of 4 stars; one submission).

Conditions:
Capillary malformation-arteriovenous malformation syndrome. Also called: Capillary malformation-arteriovenous malformation. Identifiers: Orphanet 137667, MedGen C1842180, MONDO:0012016.

Submission:

Labcorp Genetics (formerly Invitae), Labcorp
Classification: Uncertain significance for Capillary malformation-arteriovenous malformation syndrome. Last evaluated: 2025-07-24. Review status: criteria provided, single submitter. Criteria: Invitae Variant Classification Sherloc (09022015). Collection method: clinical testing. Allele origin: germline.
Comment: This sequence change replaces serine, which is neutral and polar, with asparagine, which is neutral and polar, at codon 962 of the RASA1 protein (p.Ser962Asn). This variant is not present in population databases (gnomAD no frequency). This variant has not been reported in the literature in individuals affected with RASA1-related conditions. An algorithm developed to predict the effect of missense changes on protein structure and function (PolyPhen-2) suggests that this variant is likely to be tolerated. In summary, the available evidence is currently insufficient to determine the role of this variant in disease. Therefore, it has been classified as a Variant of Uncertain Significance.

NM_002890.3(RASA1):c.2885G>A (p.Ser962Asn)

Genes: CCNH (cyclin H; minus strand), RASA1 (RAS p21 protein activator 1; plus strand). Cytogenetic location: 5q14.3.
Variant type: single nucleotide variant.
Coding change: c.2885G>A on transcript NM_002890.3 (MANE Select); coding-DNA position 2885, G replaced by A.
Protein change: p.Ser962Asn; replaces serine 962 with asparagine.
Molecular consequence: missense variant. On other transcripts: intron variant (1).
Genome position (GRCh38, 1-based): chr5:87,386,863, G>A. VCF-style: chr5-87386863-G-A. GRCh37 (hg19) VCF-style: chr5-86682680-G-A.
Other names: c.933+8181C>T (NM_001364075.2); c.2354G>A, p.Ser785Asn (NM_022650.3); short protein forms S785N, S962N.
Identifiers: ClinVar variation 4778549 (VCV004778549.1).